The following is an entry in ClinVar:

NM_000520.6(HEXA):c.272del (p.Glu91fs)

Gene: HEXA (hexosaminidase subunit alpha; minus strand). Cytogenetic location: 15q23.
Variant type: Deletion.
Coding change: c.272del on transcript NM_000520.6 (MANE Select); coding-DNA position 272, one base deleted (A; older notation c.272delA).
Protein change: p.Glu91fs; shifts the reading frame from glutamic acid 91.
Molecular consequence: frameshift variant. On other transcripts: non-coding transcript variant (1).
Genome position (GRCh38, 1-based): chr15:72,356,599, T deleted on the plus strand (A on the coding strand, the reverse complement: HEXA is on the minus strand). VCF-style (leftmost placement, unchanged base first): chr15-72356598-CT-C. GRCh37 (hg19) VCF-style: chr15-72648939-CT-C.
Other names: c.305del, p.Glu102fs (NM_001318825.2); short protein forms E102fs, E91fs.
Identifiers: ClinVar variation 4814259 (VCV004814259.1).

ClinVar aggregate classification (germline): Likely pathogenic (1 of 4 stars; one submission).

Conditions:
Tay-Sachs disease (TSD). Also called: HEXA DEFICIENCY; HEXA Disorders; GM2 gangliosidosis, type 1; Hexosaminidase alpha-subunit deficiency (variant B); Sphingolipidosis, Tay-Sachs; Hexosaminidase A Deficiency. Identifiers: Orphanet 845, MedGen C0039373, MONDO:0010100, OMIM 272800.

Submission:

Natera, Inc.
Classification: Likely pathogenic for Tay-Sachs disease. Last evaluated: 2025-09-22. Review status: criteria provided, single submitter. Criteria: Natera Variant Classification Schema (03/2026). Collection method: clinical testing. Allele origin: germline.
Comment: The c.272del variant in HEXA is a frameshift variant predicted to shift the reading frame beginning at codon 91 and leads to a stop codon 9 codons downstream. This variant is expected to result in nonsense mediated decay, truncation, or a dysfunctional protein product. This variant is rare in the general population with a frequency below the threshold expected for the associated phenotype(s). Given the available evidence, this variant is classified as Likely Pathogenic.